The following is an entry in ClinVar:

ClinVar aggregate classification (germline): Benign/Likely benign. Review status: criteria provided, multiple submitters, no conflicts (2 of 4 stars). 3 submissions from 3 submitters: Benign (1); Likely benign (1). 1 of the submissions does not count toward it. Last evaluated 2023-10-02.

Conditions:
Oculofaciocardiodental syndrome (MCOPS2). Identifiers: Orphanet 2712, MedGen C1846265, MONDO:0010261, OMIM 300166.
BCOR-related disorder. Also called: BCOR-related disorders; BCOR-related condition.

Allele frequency attached by ClinVar (database versions not stated): TOPMed 0.00003; gnomAD 0.00004; ExAC 0.00005; gnomAD exomes 0.00006.
gnomAD v4.1: 49 of 1,210,163 alleles (0.004%); highest among the groups gnomAD compares: Admixed American, 0.011%; no homozygotes.

Submissions (4):

Blueprint Genetics
Classification: Likely benign. Last evaluated: 2023-10-02. Review status: criteria provided, single submitter. Criteria: ACMG Guidelines, 2015. Collection method: clinical testing. Allele origin: germline.

Labcorp Genetics (formerly Invitae), Labcorp
Classification: Benign for Oculofaciocardiodental syndrome. Last evaluated: 2022-06-04. Review status: criteria provided, single submitter. Criteria: Invitae Variant Classification Sherloc (09022015). Collection method: clinical testing. Allele origin: germline.

PreventionGenetics, part of Exact Sciences
Classification: Likely benign for BCOR-related condition. Last evaluated: 2024-08-11. Review status: no assertion criteria provided. Collection method: clinical testing. Allele origin: germline. Not counted in ClinVar's aggregate classification.
Comment: This variant is classified as likely benign based on ACMG/AMP sequence variant interpretation guidelines (Richards et al. 2015 PMID: 25741868, with internal and published modifications).

Dr. Peter K. Rogan Lab, Western University
No classification provided (evidence only). Condition: Thyroid cancer, nonmedullary, 1. Review status: no classification provided. Collection method: in vitro. Allele origin: not applicable. Functional consequence: retained intron. Not counted in ClinVar's aggregate classification.

NM_001123385.2(BCOR):c.3813G>A (p.Ser1271=)

Gene: BCOR (BCL6 corepressor; minus strand). Cytogenetic location: Xp11.4.
Variant type: single nucleotide variant.
Coding change: c.3813G>A on transcript NM_001123385.2 (MANE Select); coding-DNA position 3813, G replaced by A.
Protein change: p.Ser1271=; no amino-acid change (serine 1271 retained).
Molecular consequence: synonymous variant.
Genome position (GRCh38, 1-based): chrX:40,063,642, C>T on the plus strand (G>A on the coding strand, the complement: BCOR is on the minus strand). VCF-style: chrX-40063642-C-T. GRCh37 (hg19) VCF-style: chrX-39922895-C-T.
Other names: c.3711G>A, p.Ser1237= (NM_017745.6, NM_001123383.2); c.3657G>A, p.Ser1219= (NM_001123384.2).
Identifiers: ClinVar variation 1599429 (VCV001599429.11), dbSNP rs746505412, ClinGen allele CA10386562.